The following is an entry in ClinVar:

NM_002476.2(MYL4):c.454G>T (p.Gly152Cys)

Gene: MYL4 (myosin light chain 4; plus strand). Cytogenetic location: 17q21.32.
Variant type: single nucleotide variant.
Coding change: c.454G>T on transcript NM_002476.2 (MANE Select); coding-DNA position 454, G replaced by T.
Protein change: p.Gly152Cys; replaces glycine 152 with cysteine.
Molecular consequence: missense variant.
Genome position (GRCh38, 1-based): chr17:47,221,822, G>T. VCF-style: chr17-47221822-G-T. GRCh37 (hg19) VCF-style: chr17-45299188-G-T.
Other names: c.454G>T, p.Gly152Cys (NM_001002841.2); short protein forms G152C.
Identifiers: ClinVar variation 1355001 (VCV001355001.6), dbSNP rs2064858475, ClinGen allele CA400022626.

ClinVar aggregate classification (germline): Uncertain significance (1 of 4 stars; one submission).

Conditions:
Atrial fibrillation, familial, 18 (ATFB18). Identifiers: MedGen C4310636, MONDO:0015001, OMIM 617280.

Allele frequency attached by ClinVar (database versions not stated): TOPMed below 0.00001.

Submission:

Labcorp Genetics (formerly Invitae), Labcorp
Classification: Uncertain significance for Atrial fibrillation, familial, 18. Last evaluated: 2024-10-02. Review status: criteria provided, single submitter. Criteria: Invitae Variant Classification Sherloc (09022015). Collection method: clinical testing. Allele origin: germline.
Comment: This sequence change replaces glycine, which is neutral and non-polar, with cysteine, which is neutral and slightly polar, at codon 152 of the MYL4 protein (p.Gly152Cys). This variant is not present in population databases (gnomAD no frequency). This variant has not been reported in the literature in individuals affected with MYL4-related conditions. ClinVar contains an entry for this variant (Variation ID: 1355001). An algorithm developed to predict the effect of missense changes on protein structure and function (PolyPhen-2) suggests that this variant is likely to be disruptive. In summary, the available evidence is currently insufficient to determine the role of this variant in disease. Therefore, it has been classified as a Variant of Uncertain Significance.